The following is an entry in ClinVar:

ClinVar aggregate classification (germline): Pathogenic. Review status: criteria provided, multiple submitters, no conflicts (2 of 4 stars). 4 submissions from 4 submitters: Pathogenic (3). 1 of the submissions does not count toward it. Last evaluated 2025-06-03.

Conditions:
Usher syndrome type 1B (USH1B). Also called: Usher syndrome type IB. Identifiers: MedGen C1848638, MONDO:0700087.
Autosomal recessive nonsyndromic hearing loss 2. Also called: DEAFNESS, AUTOSOMAL RECESSIVE 2; NEUROSENSORY NONSYNDROMIC RECESSIVE DEAFNESS 2. Identifiers: Orphanet 90636, MedGen C1838701, MONDO:0010807, OMIM 600060.
Usher syndrome type 1 (USH1). Also called: RETINITIS PIGMENTOSA AND CONGENITAL DEAFNESS. Identifiers: Orphanet 231169, Orphanet 886, MedGen C1568247, MONDO:0010168, OMIM 276900.

Allele frequency attached by ClinVar (database versions not stated): gnomAD exomes below 0.00001; TOPMed below 0.00001; gnomAD 0.00001.
gnomAD v4.1: 3 of 1,610,338 alleles (0.00019%); highest among the groups gnomAD compares: Non-Finnish European, 0.00025%; no homozygotes.

Submissions (4):

Labcorp Genetics (formerly Invitae), Labcorp
Classification: Pathogenic. Last evaluated: 2025-06-03. Review status: criteria provided, single submitter. Criteria: Invitae Variant Classification Sherloc (09022015). Collection method: clinical testing. Allele origin: germline.
Comment: This sequence change falls in intron 13 of the MYO7A gene. It does not directly change the encoded amino acid sequence of the MYO7A protein. This variant is not present in population databases (gnomAD no frequency). This variant has been observed in individual(s) with Usher syndrome (PMID: 8900236, 16679490, 21436283, 27957503, 33576794). In at least one individual the data is consistent with being in trans (on the opposite chromosome) from a pathogenic variant. ClinVar contains an entry for this variant (Variation ID: 372430). Studies have shown that this variant alters mRNA splicing and is expected to lead to the loss of protein expression (PMID: 20052763). For these reasons, this variant has been classified as Pathogenic.

Natera, Inc.
Classification: Pathogenic for Usher syndrome type 1B. Last evaluated: 2024-08-02. Review status: criteria provided, single submitter. Criteria: Natera Variant Classification Schema (03/2026). Collection method: clinical testing. Allele origin: germline.
Comment: The c.1555-8C>G variant in MYO7A is an intronic variant located outside the canonical splice sites. This variant is rare in the general population with a frequency below the threshold expected for the associated phenotype(s). This variant has been observed in one or more individuals affected with the associated recessive disease, as either homozygous or compound heterozygous with a second variant (PMID: 16679490). Functional studies show that this variant may disrupt protein function (PMID: 20052763). Computational prediction algorithms indicate this variant is likely to affect gene or protein function. Given the available evidence, this variant is classified as Pathogenic.

GeneDx
Classification: Pathogenic. Last evaluated: 2022-10-07. Review status: criteria provided, single submitter. Criteria: GeneDx Variant Classification Process June 2021. Collection method: clinical testing. Allele origin: germline. Affected: yes.
Comment: Published functional studies demonstrate a damaging effect with activation of a cryptic splice acceptor site resulting in abnormal gene splicing and out-of-frame skipping of exon 14 (Le Guedard-Mereuze et al., 2010); Not observed at significant frequency in large population cohorts (gnomAD); In silico analysis supports a deleterious effect on splicing; This variant is associated with the following publications: (PMID: 31479088, 8900236, 23647439, 16679490, 21436283, 27957503, 20052763, 33576794)

Counsyl
Classification: Likely pathogenic for Usher syndrome type 1; Autosomal recessive nonsyndromic hearing loss 2. Last evaluated: 2017-06-22. Review status: no assertion criteria provided. Collection method: clinical testing. Allele origin: unknown. Not counted in ClinVar's aggregate classification.

Literature cited by the submitters: PubMed 8900236 (cited by Labcorp Genetics (formerly Invitae), Labcorp and Counsyl); PubMed 16679490 (cited by 3 submitters); PubMed 21436283 (cited by Labcorp Genetics (formerly Invitae), Labcorp and Counsyl); PubMed 27957503 (cited by Labcorp Genetics (formerly Invitae), Labcorp); PubMed 33576794 (cited by Labcorp Genetics (formerly Invitae), Labcorp); PubMed 20052763 (cited by 3 submitters).

NM_000260.4(MYO7A):c.1555-8C>G

Gene: MYO7A (myosin VIIA; plus strand). Cytogenetic location: 11q13.5.
Variant type: single nucleotide variant.
Coding change: c.1555-8C>G on transcript NM_000260.4 (MANE Select); 8 bases into the intron before coding-DNA position 1555, C replaced by G.
Molecular consequence: intron variant.
Genome position (GRCh38, 1-based): chr11:77,162,845, C>G. VCF-style: chr11-77162845-C-G. GRCh37 (hg19) VCF-style: chr11-76873891-C-G.
Other names: c.1522-8C>G (NM_001369365.1); c.1555-8C>G (NM_001127180.2).
Identifiers: ClinVar variation 372430 (VCV000372430.13), dbSNP rs1057517774, ClinGen allele CA16042773.